The following is an entry in ClinVar:

ClinVar aggregate classification (germline): Uncertain significance (1 of 4 stars; one submission).

Submission:

Labcorp Genetics (formerly Invitae), Labcorp
Classification: Uncertain significance. Last evaluated: 2022-06-20. Review status: criteria provided, single submitter. Criteria: Invitae Variant Classification Sherloc (09022015). Collection method: clinical testing. Allele origin: germline.
Comment: This sequence change replaces leucine, which is neutral and non-polar, with valine, which is neutral and non-polar, at codon 1299 of the MCM3AP protein (p.Leu1299Val). This variant is not present in population databases (gnomAD no frequency). In summary, the available evidence is currently insufficient to determine the role of this variant in disease. Therefore, it has been classified as a Variant of Uncertain Significance. Algorithms developed to predict the effect of sequence changes on RNA splicing suggest that this variant may create or strengthen a splice site. Algorithms developed to predict the effect of missense changes on protein structure and function are either unavailable or do not agree on the potential impact of this missense change (SIFT: "Deleterious"; PolyPhen-2: "Probably Damaging"; Align-GVGD: "Class C0"). This variant has not been reported in the literature in individuals affected with MCM3AP-related conditions.

NM_003906.5(MCM3AP):c.3895C>G (p.Leu1299Val)

Gene: MCM3AP (minichromosome maintenance complex component 3 associated protein; minus strand). Cytogenetic location: 21q22.3.
Variant type: single nucleotide variant.
Coding change: c.3895C>G on transcript NM_003906.5 (MANE Select); coding-DNA position 3895, C replaced by G.
Protein change: p.Leu1299Val; replaces leucine 1299 with valine.
Molecular consequence: missense variant.
Genome position (GRCh38, 1-based): chr21:46,256,826, G>C on the plus strand (C>G on the coding strand, the complement: MCM3AP is on the minus strand). VCF-style: chr21-46256826-G-C. GRCh37 (hg19) VCF-style: chr21-47676740-G-C.
Other names: short protein forms L1299V.
Identifiers: ClinVar variation 1381337 (VCV001381337.6), dbSNP rs1412939311, ClinGen allele CA410550693.